The following is an entry in ClinVar:

ClinVar aggregate classification (germline): Pathogenic/Likely pathogenic. Review status: criteria provided, multiple submitters, no conflicts (2 of 4 stars). 2 submissions from 2 submitters: Pathogenic (1); Likely pathogenic (1). Last evaluated 2022-07-11.

Conditions:
Dyskeratosis congenita, autosomal recessive 6 (DKCB6). Identifiers: MedGen C4225356, MONDO:0014600, OMIM 616353.
Pulmonary fibrosis and/or bone marrow failure, Telomere-related, 4. Also called: PULMONARY FIBROSIS AND/OR BONE MARROW FAILURE SYNDROME, TELOMERE-RELATED, 4. Identifiers: Orphanet 2032, MedGen C4225347, MONDO:0014612, OMIM 616371.
PARN-related disorder. Also called: PARN-related disorders; PARN-related condition.

Submissions (2):

Labcorp Genetics (formerly Invitae), Labcorp
Classification: Pathogenic for Dyskeratosis congenita, autosomal recessive 6; Pulmonary fibrosis and/or bone marrow failure, Telomere-related, 4. Last evaluated: 2022-07-11. Review status: criteria provided, single submitter. Criteria: Invitae Variant Classification Sherloc (09022015). Collection method: clinical testing. Allele origin: germline.
Comment: For these reasons, this variant has been classified as Pathogenic. ClinVar contains an entry for this variant (Variation ID: 1451667). This variant has not been reported in the literature in individuals affected with PARN-related conditions. This variant is not present in population databases (gnomAD no frequency). This sequence change creates a premature translational stop signal (p.Gln375*) in the PARN gene. It is expected to result in an absent or disrupted protein product. Loss-of-function variants in PARN are known to be pathogenic (PMID: 9736620, 25848748, 26810774).

Blueprint Genetics
Classification: Likely pathogenic for PARN-related disorders. Last evaluated: 2020-09-22. Review status: criteria provided, single submitter. Criteria: ACMG Guidelines, 2015. Collection method: clinical testing. Allele origin: germline. Affected: yes. Observed: 1 variant allele.

Literature cited by the submitters: PubMed 9736620 (cited by Labcorp Genetics (formerly Invitae), Labcorp); PubMed 25848748 (cited by Labcorp Genetics (formerly Invitae), Labcorp); PubMed 26810774 (cited by Labcorp Genetics (formerly Invitae), Labcorp).

NM_002582.4(PARN):c.1123C>T (p.Gln375Ter)

Gene: PARN (poly(A)-specific ribonuclease; minus strand). Cytogenetic location: 16p13.12.
Variant type: single nucleotide variant.
Coding change: c.1123C>T on transcript NM_002582.4 (MANE Select); coding-DNA position 1123, C replaced by T.
Protein change: p.Gln375Ter; replaces glutamine 375 with a stop codon.
Molecular consequence: nonsense.
Genome position (GRCh38, 1-based): chr16:14,582,250, G>A on the plus strand (C>T on the coding strand, the complement: PARN is on the minus strand). VCF-style: chr16-14582250-G-A. GRCh37 (hg19) VCF-style: chr16-14676107-G-A.
Other names: c.940C>T, p.Gln314Ter (NM_001134477.3); c.985C>T, p.Gln329Ter (NM_001242992.2); short protein forms Q329*, Q375*, Q314*.
Identifiers: ClinVar variation 1451667 (VCV001451667.7), dbSNP rs1380270401, ClinGen allele CA394801859.